The following is an entry in ClinVar:

ClinVar aggregate classification (germline): Uncertain significance (1 of 4 stars; one submission).

Conditions:
Agammaglobulinemia 7, autosomal recessive (AGM7). Also called: AGAMMAGLOBULINEMIA, AUTOSOMAL RECESSIVE, DUE TO PIK3R1 DEFECT. Identifiers: MedGen C3554689, MONDO:0014083, OMIM 615214.
Immunodeficiency 36 with lymphoproliferation. Also called: Immunodeficiency 36; ACTIVATED PI3K-DELTA SYNDROME 2; Activated PI3K Delta Syndrome Type 2 (APDS2). Identifiers: Orphanet 397596, Orphanet 693681, MedGen C4014934, MONDO:0014453, OMIM 616005.
SHORT syndrome. Also called: PIK3R1-Related SHORT Syndrome; SHORT STATURE, HYPEREXTENSIBILITY, HERNIA, OCULAR DEPRESSION, RIEGER ANOMALY, AND TEETHING DELAY; LIPODYSTROPHY, PARTIAL, WITH RIEGER ANOMALY AND SHORT STATURE. Identifiers: Orphanet 3163, MedGen C0878684, MONDO:0010026, OMIM 269880.

Allele frequency attached by ClinVar (database versions not stated): gnomAD exomes below 0.00001.
gnomAD v4.1: 2 of 1,611,884 alleles (0.00012%); highest among the groups gnomAD compares: South Asian, 0.0022%; no homozygotes.

Submission:

Labcorp Genetics (formerly Invitae), Labcorp
Classification: Uncertain significance for SHORT syndrome; Immunodeficiency 36 with lymphoproliferation; Agammaglobulinemia 7, autosomal recessive. Last evaluated: 2019-05-18. Review status: criteria provided, single submitter. Criteria: Invitae Variant Classification Sherloc (09022015). Collection method: clinical testing. Allele origin: germline.
Comment: This sequence change replaces leucine with valine at codon 226 of the PIK3R1 protein (p.Leu226Val). The leucine residue is moderately conserved and there is a small physicochemical difference between leucine and valine. This variant is not present in population databases (ExAC no frequency). This variant has not been reported in the literature in individuals with PIK3R1-related conditions. Algorithms developed to predict the effect of missense changes on protein structure and function (SIFT, PolyPhen-2, Align-GVGD) all suggest that this variant is likely to be tolerated, but these predictions have not been confirmed by published functional studies and their clinical significance is uncertain. Algorithms developed to predict the effect of sequence changes on RNA splicing suggest that this variant may create or strengthen a splice site, but this prediction has not been confirmed by published transcriptional studies. In summary, the available evidence is currently insufficient to determine the role of this variant in disease. Therefore, it has been classified as a Variant of Uncertain Significance.

NM_181523.3(PIK3R1):c.676C>G (p.Leu226Val)

Gene: PIK3R1 (phosphoinositide-3-kinase regulatory subunit 1; plus strand). Cytogenetic location: 5q13.1.
Variant type: single nucleotide variant.
Coding change: c.676C>G on transcript NM_181523.3 (MANE Select); coding-DNA position 676, C replaced by G.
Protein change: p.Leu226Val; replaces leucine 226 with valine.
Molecular consequence: missense variant.
Genome position (GRCh38, 1-based): chr5:68,280,569, C>G. VCF-style: chr5-68280569-C-G. GRCh37 (hg19) VCF-style: chr5-67576397-C-G.
Other names: short protein forms L226V.
Identifiers: ClinVar variation 856837 (VCV000856837.10), dbSNP rs1746792752, ClinGen allele CA359875142.